The following is an entry in ClinVar:

NM_000548.5(TSC2):c.775C>G (p.Leu259Val)

Gene: TSC2 (TSC complex subunit 2; plus strand). Cytogenetic location: 16p13.3.
Variant type: single nucleotide variant.
Coding change: c.775C>G on transcript NM_000548.5 (MANE Select); coding-DNA position 775, C replaced by G.
Protein change: p.Leu259Val; replaces leucine 259 with valine.
Molecular consequence: missense variant. On other transcripts: 5 prime UTR variant (10), non-coding transcript variant (5).
Genome position (GRCh38, 1-based): chr16:2,057,105, C>G. VCF-style: chr16-2057105-C-G. GRCh37 (hg19) VCF-style: chr16-2107106-C-G.
Other names: c.628C>G, p.Leu210Val (NM_001406679.1, NM_001318829.2, NM_001406675.1 and 1 more transcripts); c.175C>G, p.Leu59Val (NM_001406680.1, NM_001406682.1, NM_001406683.1 and 6 more transcripts); c.313C>G, p.Leu105Val (NM_001406681.1); c.775C>G, p.Leu259Val (NM_001077183.3, NM_001114382.3, NM_001363528.2 and 6 more transcripts); c.664C>G, p.Leu222Val (NM_001318827.2, NM_001406670.1, NM_001406678.1); c.808C>G, p.Leu270Val (NM_001318832.2); c.865C>G, p.Leu289Val (NM_001406667.1, NM_001406668.1); c.763C>G, p.Leu255Val (NM_001406671.1, NM_001406673.1); and 4 more; short protein forms L222V, L59V, L105V, L210V, L255V, L259V, L270V, L289V.
Identifiers: ClinVar variation 5031352 (VCV005031352.1).
Genomic context (GRCh38, chr16:2,057,105, plus strand): 5'-GACTGGGGCTGGGGGCAGGGCTTATGCCTGCCAGCCCCTGACACGCATTGTGTCTCGCAG[C>G]TGATGCGGAACCTCCTTGGCACCCACCTGGGCCACAGCGCCATCTACAACATGTGCCACC-3'
Protein context (NP_000539.2, residues 249-269): VKELCEPCWK[Leu259Val]MRNLLGTHLG

ClinVar aggregate classification (germline): Uncertain significance (1 of 4 stars; one submission).

Conditions:
Hereditary cancer-predisposing syndrome. Also called: Neoplastic Syndromes, Hereditary; Tumor predisposition; Hereditary neoplastic syndrome; Hereditary Cancer Syndrome. Identifiers: Orphanet 140162, MedGen C0027672, MeSH D009386, MONDO:0015356.

Submission:

Ambry Genetics
Classification: Uncertain significance for Hereditary cancer-predisposing syndrome. Last evaluated: 2026-07-07. Review status: criteria provided, single submitter. Criteria: Ambry Variant Classification Scheme 2023. Collection method: clinical testing. Allele origin: germline.
Comment: The p.L259V variant (also known as c.775C>G) is located in coding exon 8 of the TSC2 gene. The leucine at codon 259 is replaced by valine, an amino acid with highly similar properties. This change occurs in the first base pair of coding exon 8. This amino acid position is conserved. In addition, the in silico prediction for this alteration is inconclusive. Based on the available evidence, the clinical significance of this variant remains unclear.